The following is an entry in ClinVar:

NM_000070.3(CAPN3):c.913G>A (p.Asp305Asn)

Gene: CAPN3 (calpain 3; plus strand). Cytogenetic location: 15q15.1.
Variant type: single nucleotide variant.
Coding change: c.913G>A on transcript NM_000070.3 (MANE Select); coding-DNA position 913, G replaced by A.
Protein change: p.Asp305Asn; replaces aspartic acid 305 with asparagine.
Molecular consequence: missense variant. On other transcripts: intron variant (1).
Genome position (GRCh38, 1-based): chr15:42,390,064, G>A. VCF-style: chr15-42390064-G-A. GRCh37 (hg19) VCF-style: chr15-42682262-G-A.
Other names: c.913G>A, p.Asp305Asn (NM_024344.2); c.801+968G>A (NM_173087.2); short protein forms D305N.
Identifiers: ClinVar variation 885809 (VCV000885809.11), dbSNP rs753780627, ClinGen allele CA7511165.

ClinVar aggregate classification (germline): Uncertain significance. Review status: criteria provided, multiple submitters, no conflicts (2 of 4 stars). 3 submissions from 3 submitters: Uncertain significance (2). 1 of the submissions does not count toward it. Last evaluated 2025-10-08.

Conditions:
Autosomal recessive limb-girdle muscular dystrophy type 2A (LGMDR1). Also called: Muscular dystrophy, limb-girdle, type 2A, Amish; Calpainopathy; LEYDEN-MOEBIUS MUSCULAR DYSTROPHY; MUSCULAR DYSTROPHY, PELVOFEMORAL; Limb-girdle muscular dystrophy, type 2A. Identifiers: Orphanet 267, MedGen C1869123, MONDO:0009675, OMIM 253600. Disease mechanism: loss of function.

Allele frequency attached by ClinVar (database versions not stated): ExAC 0.00002; gnomAD exomes 0.00002; TOPMed 0.00002; gnomAD 0.00006.
gnomAD v4.1: 23 of 1,613,926 alleles (0.0014%); highest among the groups gnomAD compares: South Asian, 0.0033%; no homozygotes.

Submissions (3):

Labcorp Genetics (formerly Invitae), Labcorp
Classification: Uncertain significance for Autosomal recessive limb-girdle muscular dystrophy type 2A. Last evaluated: 2025-10-08. Review status: criteria provided, single submitter. Criteria: Invitae Variant Classification Sherloc (09022015). Collection method: clinical testing. Allele origin: germline.
Comment: This sequence change replaces aspartic acid, which is acidic and polar, with asparagine, which is neutral and polar, at codon 305 of the CAPN3 protein (p.Asp305Asn). This variant is present in population databases (rs753780627, gnomAD 0.007%). This variant has not been reported in the literature in individuals affected with CAPN3-related conditions. ClinVar contains an entry for this variant (Variation ID: 885809). Invitae Evidence Modeling of protein sequence and biophysical properties (such as structural, functional, and spatial information, amino acid conservation, physicochemical variation, residue mobility, and thermodynamic stability) has been performed for this missense variant. However, the output from this modeling did not meet the statistical confidence thresholds required to predict the impact of this variant on CAPN3 protein function. In summary, the available evidence is currently insufficient to determine the role of this variant in disease. Therefore, it has been classified as a Variant of Uncertain Significance.

Illumina Laboratory Services, Illumina
Classification: Uncertain significance for Limb-girdle muscular dystrophy, type 2A. Last evaluated: 2018-01-13. Review status: criteria provided, single submitter. Criteria: ICSL Variant Classification Criteria 13 December 2019. Collection method: clinical testing. Allele origin: germline.

Natera, Inc.
Classification: Uncertain significance for Limb-girdle muscular dystrophy type 2A. Last evaluated: 2020-04-17. Review status: no assertion criteria provided. Collection method: clinical testing. Allele origin: germline. Not counted in ClinVar's aggregate classification.